The following is an entry in ClinVar:

ClinVar aggregate classification (germline): Uncertain significance (1 of 4 stars; one submission).

Conditions:
Ullrich congenital muscular dystrophy 2 (UCMD2). Identifiers: Orphanet 75840, MedGen C4225314, MONDO:0014654, OMIM 616470.
Bethlem myopathy 2 (BTHLM2). Identifiers: Orphanet 536516, Orphanet 610, MedGen C4225313, MONDO:0034022, OMIM 616471.

Submission:

Labcorp Genetics (formerly Invitae), Labcorp
Classification: Uncertain significance for Bethlem myopathy 2; Ullrich congenital muscular dystrophy 2. Last evaluated: 2024-10-31. Review status: criteria provided, single submitter. Criteria: Invitae Variant Classification Sherloc (09022015). Collection method: clinical testing. Allele origin: germline.
Comment: This sequence change replaces proline, which is neutral and non-polar, with alanine, which is neutral and non-polar, at codon 1658 of the COL12A1 protein (p.Pro1658Ala). This variant is not present in population databases (gnomAD no frequency). This variant has not been reported in the literature in individuals affected with COL12A1-related conditions. Invitae Evidence Modeling of protein sequence and biophysical properties (such as structural, functional, and spatial information, amino acid conservation, physicochemical variation, residue mobility, and thermodynamic stability) indicates that this missense variant is expected to disrupt COL12A1 protein function with a positive predictive value of 80%. In summary, the available evidence is currently insufficient to determine the role of this variant in disease. Therefore, it has been classified as a Variant of Uncertain Significance.

NM_004370.6(COL12A1):c.4972C>G (p.Pro1658Ala)

Gene: COL12A1 (collagen type XII alpha 1 chain; minus strand). Cytogenetic location: 6q13.
Variant type: single nucleotide variant.
Coding change: c.4972C>G on transcript NM_004370.6 (MANE Select); coding-DNA position 4972, C replaced by G.
Protein change: p.Pro1658Ala; replaces proline 1658 with alanine.
Molecular consequence: missense variant.
Genome position (GRCh38, 1-based): chr6:75,138,947, G>C on the plus strand (C>G on the coding strand, the complement: COL12A1 is on the minus strand). VCF-style: chr6-75138947-G-C. GRCh37 (hg19) VCF-style: chr6-75848663-G-C.
Other names: c.4972C>G, p.Pro1658Ala (NM_001424113.1, NM_001424114.1); c.4699C>G, p.Pro1567Ala (NM_001424115.1); c.1480C>G, p.Pro494Ala (NM_001424116.1, NM_080645.3); short protein forms P1567A, P1658A, P494A.
Identifiers: ClinVar variation 3752812 (VCV003752812.2).